The following is an entry in ClinVar:

ClinVar aggregate classification (germline): Conflicting classifications of pathogenicity. Review status: criteria provided, conflicting classifications (1 of 4 stars). 5 submissions from 5 submitters: Uncertain significance (4); Likely benign (1). Last evaluated 2025-12-22.

Conditions:
Cardiovascular phenotype. Identifiers: MedGen CN230736.
Primary familial hypertrophic cardiomyopathy (HCM). Identifiers: Orphanet 99739, MedGen C0949658, MeSH D024741, MONDO:0024573. Inheritance: Various modes of inheritance.
Hypertrophic cardiomyopathy 26. Also called: Cardiomyopathy, familial hypertrophic, 26. Identifiers: Orphanet 75249, MedGen C4310749, MONDO:0014883, OMIM 617047.
Myofibrillar myopathy 5. Also called: FILAMINOPATHY, AUTOSOMAL DOMINANT; Filaminopathy (type). Identifiers: Orphanet 171445, MedGen C1836050, MONDO:0012289, OMIM 609524.
Distal myopathy with posterior leg and anterior hand involvement. Also called: WILLIAMS DISTAL MYOPATHY. Identifiers: Orphanet 63273, MedGen C3279722, MONDO:0013550, OMIM 614065.

Allele frequency attached by ClinVar (database versions not stated): gnomAD exomes below 0.00001; gnomAD 0.00001.
gnomAD v4.1: 5 of 1,613,460 alleles (0.00031%); highest among the groups gnomAD compares: Middle Eastern, 0.016%; no homozygotes.

Submissions (5):

Petrovsky National Research Centre of Surgery, The Federal Agency for Scientific Organizations
Classification: Uncertain significance for Primary familial hypertrophic cardiomyopathy. Last evaluated: 2025-12-22. Review status: criteria provided, single submitter. Criteria: ACMG Guidelines, 2015. Collection method: clinical testing. Allele origin: germline. Affected: yes. Observed: 1 variant allele.
Comment: The variant is in The Genome Aggregation Database (gnomAD) v4.1.0 with total 0.000003099. (Date of access 2025-12-22). In accordance with ACMG (2015) criteria this variant is classified as Uncertain significance with following criteria selected: PM2, PP3.

Labcorp Genetics (formerly Invitae), Labcorp
Classification: Likely benign for Distal myopathy with posterior leg and anterior hand involvement; Myofibrillar myopathy 5; Hypertrophic cardiomyopathy 26. Last evaluated: 2025-07-23. Review status: criteria provided, single submitter. Criteria: Invitae Variant Classification Sherloc (09022015). Collection method: clinical testing. Allele origin: germline.

GeneDx
Classification: Uncertain significance. Last evaluated: 2025-06-30. Review status: criteria provided, single submitter. Criteria: GeneDx Variant Classification Process June 2021. Collection method: clinical testing. Allele origin: germline. Affected: yes.
Comment: Not observed at significant frequency in large population cohorts (gnomAD); In silico analysis supports that this missense variant has a deleterious effect on protein structure/function; This variant is associated with the following publications: (PMID: 30418145)

Molecular Diagnostic Laboratory for Inherited Cardiovascular Disease, Montreal Heart Institute
Classification: Uncertain significance for Cardiovascular phenotype. Last evaluated: 2025-04-09. Review status: criteria provided, single submitter. Criteria: ACMG Guidelines, 2015. Collection method: clinical testing. Allele origin: germline. Affected: yes.

Blueprint Genetics
Classification: Uncertain significance. Last evaluated: 2022-01-13. Review status: criteria provided, single submitter. Criteria: ACMG Guidelines, 2015. Collection method: clinical testing. Allele origin: germline.

NM_001458.5(FLNC):c.6115G>A (p.Gly2039Arg)

Genes: FLNC-AS1 (FLNC antisense RNA 1; minus strand), FLNC (filamin C; plus strand). Cytogenetic location: 7q32.1.
Variant type: single nucleotide variant.
Coding change: c.6115G>A on transcript NM_001458.5 (MANE Select); coding-DNA position 6115, G replaced by A.
Protein change: p.Gly2039Arg; replaces glycine 2039 with arginine.
Molecular consequence: missense variant.
Genome position (GRCh38, 1-based): chr7:128,852,938, G>A. VCF-style: chr7-128852938-G-A. GRCh37 (hg19) VCF-style: chr7-128492992-G-A.
Other names: c.6016G>A, p.Gly2006Arg (NM_001127487.2); c.6115G>A (NM_001458.4); short protein forms G2006R, G2039R.
Identifiers: ClinVar variation 1408552 (VCV001408552.10), dbSNP rs1354394880, ClinGen allele CA369211275.